The following is an entry in ClinVar:

ClinVar aggregate classification (germline): Conflicting classifications of pathogenicity. Review status: criteria provided, conflicting classifications (1 of 4 stars). 7 submissions from 7 submitters: Uncertain significance (6); Likely benign (1). Last evaluated 2026-01-04.

Conditions:
Familial adenomatous polyposis 1 (FAP1). Also called: FAMILIAL ADENOMATOUS POLYPOSIS 1, ATTENUATED; POLYPOSIS, ADENOMATOUS INTESTINAL. Identifiers: MedGen C2713442, MONDO:0021056, OMIM 175100. Disease mechanism: loss of function.
Gastric adenocarcinoma and proximal polyposis of the stomach (GAPPS). Also called: POLYPOSIS, GASTRIC; Gastric Adenocarcinoma and Proximal Polyposis of the Stomach (GAPPS); Polyposis, gastric, Dos Santos and de Magalhaes 1980. Identifiers: Orphanet 314022, MedGen C4749917, MONDO:0017790, OMIM 619182.
Desmoid disease, hereditary (DESMD). Also called: FIBROMATOSIS, FAMILIAL INFILTRATIVE. Identifiers: Orphanet 873, MedGen C1851124, OMIM 135290. Disease mechanism: loss of function.
Hepatocellular carcinoma (HCC). Also called: Primary carcinoma of liver; HEPATOMA; LIVER CELL CARCINOMA. Identifiers: Orphanet 88673, MedGen C2239176, MONDO:0007256, OMIM 114550, HP:0001402.
Gastric cancer. Also called: Malignant tumor of stomach; Stomach cancer. Identifiers: MedGen C0024623, MeSH D013274, MONDO:0001056, OMIM 613659, HP:0012126.
Colorectal cancer. Also called: Malignant Colorectal Neoplasm; Colorectal cancer, somatic. Identifiers: MedGen C0346629, MONDO:0005575, OMIM 114500.
Hereditary cancer-predisposing syndrome. Also called: Neoplastic Syndromes, Hereditary; Hereditary Cancer Syndrome; Hereditary neoplastic syndrome; Tumor predisposition. Identifiers: Orphanet 140162, MedGen C0027672, MeSH D009386, MONDO:0015356.
Classic or attenuated familial adenomatous polyposis. Identifiers: MedGen CN372698, MONDO:0021057.

Allele frequency attached by ClinVar (database versions not stated): gnomAD 0.00002; TOPMed below 0.00001.
gnomAD v4.1: 13 of 1,614,032 alleles (0.00081%); highest among the groups gnomAD compares: Non-Finnish European, 0.0011%; no homozygotes.

Submissions (7):

Labcorp Genetics (formerly Invitae), Labcorp
Classification: Uncertain significance for Familial adenomatous polyposis 1. Last evaluated: 2026-01-04. Review status: criteria provided, single submitter. Criteria: Invitae Variant Classification Sherloc (09022015). Collection method: clinical testing. Allele origin: germline.
Comment: This sequence change replaces asparagine, which is neutral and polar, with threonine, which is neutral and polar, at codon 1142 of the APC protein (p.Asn1142Thr). This variant is present in population databases (rs138410865, gnomAD 0.003%). This variant has not been reported in the literature in individuals affected with APC-related conditions. ClinVar contains an entry for this variant (Variation ID: 411461). Invitae Evidence Modeling of protein sequence and biophysical properties (such as structural, functional, and spatial information, amino acid conservation, physicochemical variation, residue mobility, and thermodynamic stability) indicates that this missense variant is not expected to disrupt APC protein function with a negative predictive value of 95%. In summary, the available evidence is currently insufficient to determine the role of this variant in disease. Therefore, it has been classified as a Variant of Uncertain Significance.

Color Diagnostics, LLC DBA Color Health
Classification: Uncertain significance for Hereditary cancer-predisposing syndrome. Last evaluated: 2025-03-17. Review status: criteria provided, single submitter. Criteria: ACMG Guidelines, 2015. Collection method: clinical testing. Allele origin: germline.
Comment: This missense variant replaces asparagine with threonine at codon 1142 of the APC protein. Computational prediction is inconclusive regarding the impact of this variant on protein structure and function. To our knowledge, functional studies have not been reported for this variant. This variant has not been reported in individuals affected with APC-related disorders in the literature. This variant has been identified in 4/282380 chromosomes in the general population by the Genome Aggregation Database (gnomAD). The available evidence is insufficient to determine the role of this variant in disease conclusively. Therefore, this variant is classified as a Variant of Uncertain Significance.

All of Us Research Program, National Institutes of Health
Classification: Uncertain significance for Classic or attenuated familial adenomatous polyposis. Last evaluated: 2024-08-13. Review status: criteria provided, single submitter. Criteria: ACMG Guidelines, 2015. Collection method: clinical testing. Allele origin: germline. Inheritance: Autosomal dominant inheritance. Observed: 5 variant alleles, 5 heterozygotes.
Comment: This missense variant replaces asparagine with threonine at codon 1142 of the APC protein. Computational prediction is inconclusive regarding the impact of this variant on protein structure and function (internally defined REVEL score threshold 0.5 < inconclusive < 0.7, PMID: 27666373). To our knowledge, functional studies have not been reported for this variant. This variant has not been reported in individuals affected with APC-related disorders in the literature. This variant has been identified in 4/282380 chromosomes in the general population by the Genome Aggregation Database (gnomAD). The available evidence is insufficient to determine the role of this variant in disease conclusively. Therefore, this variant is classified as a Variant of Uncertain Significance.

This study involves interpretation of variants in research participants for the purpose of population health screening. Participant phenotype was not available at the time of variant classification. Additional details can be found in publication PMID: 35346344, PMCID: PMC8962531

Women's Health and Genetics/Laboratory Corporation of America, LabCorp
Classification: Uncertain significance. Last evaluated: 2024-05-13. Review status: criteria provided, single submitter. Criteria: LabCorp Variant Classification Summary - May 2015. Collection method: clinical testing. Allele origin: germline.
Comment: Variant summary: APC c.3425A>C (p.Asn1142Thr) results in a non-conservative amino acid change in the encoded protein sequence. Four of five in-silico tools predict a damaging effect of the variant on protein function. The variant allele was found at a frequency of 1.2e-05 in 250982 control chromosomes (gnomAD). The available data on variant occurrences in the general population are insufficient to allow any conclusion about variant significance. To our knowledge, no occurrence of c.3425A>C in individuals affected with Familial Adenomatous Polyposis and no experimental evidence demonstrating its impact on protein function have been reported. ClinVar contains an entry for this variant (Variation ID: 411461). Based on the evidence outlined above, the variant was classified as uncertain significance.

Fulgent Genetics
Classification: Uncertain significance for Colorectal cancer; Hepatocellular carcinoma; Desmoid disease, hereditary; Familial adenomatous polyposis 1; Gastric cancer; Gastric adenocarcinoma and proximal polyposis of the stomach. Last evaluated: 2024-03-25. Review status: criteria provided, single submitter. Criteria: ACMG Guidelines, 2015. Collection method: clinical testing. Allele origin: germline.

GeneDx
Classification: Uncertain significance. Last evaluated: 2022-04-25. Review status: criteria provided, single submitter. Criteria: GeneDx Variant Classification Process June 2021. Collection method: clinical testing. Allele origin: germline. Affected: yes.
Comment: Not observed at significant frequency in large population cohorts (gnomAD); In silico analysis supports that this missense variant does not alter protein structure/function; Has not been previously published as pathogenic or benign to our knowledge

Ambry Genetics
Classification: Likely benign for Hereditary cancer-predisposing syndrome. Last evaluated: 2021-12-08. Review status: criteria provided, single submitter. Criteria: Ambry Variant Classification Scheme 2023. Collection method: clinical testing. Allele origin: germline.

NM_000038.6(APC):c.3425A>C (p.Asn1142Thr)

Gene: APC (APC regulator of Wnt signaling pathway; plus strand). Cytogenetic location: 5q22.2.
Variant type: single nucleotide variant.
Coding change: c.3425A>C on transcript NM_000038.6 (MANE Select); coding-DNA position 3425, A replaced by C.
Protein change: p.Asn1142Thr; replaces asparagine 1142 with threonine.
Molecular consequence: missense variant.
Genome position (GRCh38, 1-based): chr5:112,839,019, A>C. VCF-style: chr5-112839019-A-C. GRCh37 (hg19) VCF-style: chr5-112174716-A-C.
Other names: c.3425A>C, p.Asn1142Thr (NM_001127510.3, NM_001354895.2); c.3371A>C, p.Asn1124Thr (NM_001127511.3); c.3479A>C, p.Asn1160Thr (NM_001354896.2); c.3455A>C, p.Asn1152Thr (NM_001354897.2); c.3350A>C, p.Asn1117Thr (NM_001354898.2); c.3341A>C, p.Asn1114Thr (NM_001354899.2); c.3302A>C, p.Asn1101Thr (NM_001354900.2); c.3248A>C, p.Asn1083Thr (NM_001354901.2); and 5 more; short protein forms N1124T, N1142T, N1016T, N1041T, N1083T, N1051T, N1114T, N1101T.
Identifiers: ClinVar variation 411461 (VCV000411461.28), dbSNP rs138410865, ClinGen allele CA035313.